The following is an entry in ClinVar:

ClinVar aggregate classification (germline): Uncertain significance (1 of 4 stars; one submission).

Conditions:
TG-related disorder. Also called: TG-related condition; TG-related disorders.

Submission:

PreventionGenetics, part of Exact Sciences
Classification: Uncertain significance for TG-related condition. Last evaluated: 2023-01-09. Review status: criteria provided, single submitter. Criteria: ACMG Guidelines, 2015. Collection method: clinical testing. Allele origin: germline.
Comment: The TG c.184C>A variant is predicted to result in the amino acid substitution p.Gln62Lys. To our knowledge, this variant has not been reported in the literature or in a large population database, indicating this variant is rare. At this time, the clinical significance of this variant is uncertain due to the absence of conclusive functional and genetic evidence.

NM_003235.5(TG):c.184C>A (p.Gln62Lys)

Gene: TG (thyroglobulin; plus strand). Cytogenetic location: 8q24.22.
Variant type: single nucleotide variant.
Coding change: c.184C>A on transcript NM_003235.5 (MANE Select); coding-DNA position 184, C replaced by A.
Protein change: p.Gln62Lys; replaces glutamine 62 with lysine.
Molecular consequence: missense variant.
Genome position (GRCh38, 1-based): chr8:132,869,736, C>A. VCF-style: chr8-132869736-C-A. GRCh37 (hg19) VCF-style: chr8-133881981-C-A.
Other names: short protein forms Q62K.
Identifiers: ClinVar variation 2629607 (VCV002629607.1), dbSNP rs1839300540, ClinGen allele CA372245824.